The following is an entry in ClinVar:

ClinVar aggregate classification (germline): Likely pathogenic (1 of 4 stars; one submission).

Conditions:
Hereditary factor VIII deficiency disease (HEMA). Also called: AUTOSOMAL HEMOPHILIA A; Hemophilia A; HEMOPHILIA, CLASSIC; Hemophilia A, congenital; HEM A; Factor 8 deficiency, congenital. Identifiers: Orphanet 98878, MedGen C0019069, MONDO:0010602, OMIM 306700.

Submission:

ARUP Laboratories, Molecular Genetics and Genomics, ARUP Laboratories
Classification: Likely pathogenic for Hereditary factor VIII deficiency disease. Last evaluated: 2018-11-20. Review status: criteria provided, single submitter. Criteria: ARUP Molecular Germline Variant Investigation Process. Collection method: clinical testing. Allele origin: germline.
Comment: The F8 c.382T>C; p.Ser128Pro variant, also known as p.Ser109Pro, is reported in the literature in one individual affected with severe hemophilia A (Gorziza 2013). This variant is absent from general population databases (1000 Genomes Project, Exome Variant Server, and Genome Aggregation Database), indicating it is not a common polymorphism. The serine at codon 128 is highly conserved and computational analyses (SIFT, PolyPhen-2) predict that this variant is deleterious. Additionally, other variants in adjacent codons (c.385G>A; p.Glu129Lys and c.386A>T; p.Glu129Val) have been reported in individuals with severe hemophilia A (Maugard 1998, Reitter 2010). Based on available information, the p.Ser128Pro variant is considered to be likely pathogenic. REFERENCES Gorziza et al. Genetic changes in severe haemophilia A: new contribution to the aetiology of a complex disease. Blood Coagul Fibrinolysis. 2013 Mar;24(2):164-9. Maugard et al. Protein truncation test: detection of severe haemophilia a mutation and analysis of factor VIII transcripts. Hum Mutat. 1998;11(1):18-22. Reitter et al. Spectrum of causative mutations in patients with haemophilia A in Austria. Thromb Haemost. 2010 Jul;104(1):78-85.

NM_000132.4(F8):c.382T>C (p.Ser128Pro)

Gene: F8 (coagulation factor VIII; minus strand). Cytogenetic location: Xq28.
Variant type: single nucleotide variant.
Coding change: c.382T>C on transcript NM_000132.4 (MANE Select); coding-DNA position 382, T replaced by C.
Protein change: p.Ser128Pro; replaces serine 128 with proline.
Molecular consequence: missense variant.
Genome position (GRCh38, 1-based): chrX:154,996,979, A>G on the plus strand (T>C on the coding strand, the complement: F8 is on the minus strand). VCF-style: chrX-154996979-A-G. GRCh37 (hg19) VCF-style: chrX-154225254-A-G.
Other names: short protein forms S128P.
Identifiers: ClinVar variation 811825 (VCV000811825.8), dbSNP rs1603436638, ClinGen allele CA414919878.
Genomic context (GRCh38, chrX:154,996,979, plus strand): 5'-ATCTCACTGTTCTATTCATAGAATGACAGGACAATAGGAGGGTATTTTACTCACCCTCAG[A>G]AGCTTTCCAGTAGGATACACCAACAGCATGAAGACTGACAGGATGGGAAGCCATGTTCTT-3'
Protein context (NP_000123.1, residues 118-138): HAVGVSYWKA[Ser128Pro]EGAEYDDQTS